The following is an entry in ClinVar:

ClinVar aggregate classification (germline): Pathogenic (1 of 4 stars; one submission).

Conditions:
Retinal disorder. Also called: Retinopathy; Retinopathies; Retinal Diseases; Retinal disorders. Identifiers: MedGen C0035309, MONDO:0005283, HP:0000488.

Submission:

Genetics Laboratory, Great Ormond Street Hospital NHS Foundation Trust, North Thames Genomic Laboratory Hub
Classification: Pathogenic for Retinal disorders. Last evaluated: 2025-12-08. Review status: criteria provided, single submitter. Criteria: ACGS Best Practice Guidelines for Variant Classification in Rare Disease 2024 v1.2. Collection method: clinical testing. Allele origin: germline. Affected: yes.
Comment: PM2_moderate, PVS1_very-strong, PM3_supporting

NM_019098.5(CNGB3):c.1853del (p.Thr618fs)

Gene: CNGB3 (cyclic nucleotide gated channel subunit beta 3; minus strand). Cytogenetic location: 8q21.3.
Variant type: Deletion.
Coding change: c.1853del on transcript NM_019098.5 (MANE Select); coding-DNA position 1853, one base deleted (C; older notation c.1853delC).
Protein change: p.Thr618fs; shifts the reading frame from threonine 618.
Molecular consequence: frameshift variant.
Genome position (GRCh38, 1-based): chr8:86,579,181, G deleted on the plus strand (C on the coding strand, the reverse complement: CNGB3 is on the minus strand). VCF-style (leftmost placement, unchanged base first): chr8-86579180-AG-A. GRCh37 (hg19) VCF-style: chr8-87591408-AG-A.
Other names: short protein forms T618fs.
Identifiers: ClinVar variation 4690274 (VCV004690274.1).